The following is an entry in ClinVar:

ClinVar aggregate classification (germline): Benign (1 of 4 stars; one submission).

Conditions:
Hereditary diffuse gastric adenocarcinoma (HDGC). Also called: DIFFUSE GASTRIC AND LOBULAR BREAST CANCER SYNDROME. Identifiers: Orphanet 26106, MedGen C1708349, MONDO:0007648, OMIM 137215.

gnomAD v4.1: 2 of 1,614,062 alleles (0.00012%); highest among the groups gnomAD compares: Non-Finnish European, 0.00017%; no homozygotes.

Submission:

Myriad Genetics, Inc.
Classification: Benign for Hereditary diffuse gastric adenocarcinoma. Last evaluated: 2024-09-16. Review status: criteria provided, single submitter. Criteria: Myriad Autosomal Dominant, Autosomal Recessive and X-Linked Classification Criteria (2023). Collection method: clinical testing. Allele origin: unknown.
Comment: This variant is considered benign. This variant is a silent/synonymous amino acid change and it is not expected to impact splicing.

NM_004360.5(CDH1):c.858C>T (p.Ala286=)

Gene: CDH1 (cadherin 1; plus strand). Cytogenetic location: 16q22.1.
Variant type: single nucleotide variant.
Coding change: c.858C>T on transcript NM_004360.5 (MANE Select); coding-DNA position 858, C replaced by T.
Protein change: p.Ala286=; no amino-acid change (alanine 286 retained).
Molecular consequence: synonymous variant. On other transcripts: 5 prime UTR variant (2).
Genome position (GRCh38, 1-based): chr16:68,811,709, C>T. VCF-style: chr16-68811709-C-T. GRCh37 (hg19) VCF-style: chr16-68845612-C-T.
Other names: c.858C>T, p.Ala286= (NM_001317184.2); c.-758C>T (NM_001317185.2); c.-962C>T (NM_001317186.2).
Identifiers: ClinVar variation 3378815 (VCV003378815.1).